The following is an entry in ClinVar:

ClinVar aggregate classification (germline): Uncertain significance (1 of 4 stars; one submission).

Submission:

Ambry Genetics
Classification: Uncertain significance. Last evaluated: 2024-06-12. Review status: criteria provided, single submitter. Criteria: Ambry Variant Classification Scheme 2023. Collection method: clinical testing. Allele origin: germline.
Comment: The p.F236L variant (also known as c.706T>C), located in coding exon 4 of the MNDA gene, results from a T to C substitution at nucleotide position 706. The phenylalanine at codon 236 is replaced by leucine, an amino acid with highly similar properties. This amino acid position is conserved. In addition, this alteration is predicted to be tolerated by in silico analysis. Based on the available evidence, the clinical significance of this variant remains unclear.

NM_002432.3(MNDA):c.706T>C (p.Phe236Leu)

Gene: MNDA (myeloid cell nuclear differentiation antigen; plus strand). Cytogenetic location: 1q23.1.
Variant type: single nucleotide variant.
Coding change: c.706T>C on transcript NM_002432.3 (MANE Select); coding-DNA position 706, T replaced by C.
Protein change: p.Phe236Leu; replaces phenylalanine 236 with leucine.
Molecular consequence: missense variant.
Genome position (GRCh38, 1-based): chr1:158,845,722, T>C. VCF-style: chr1-158845722-T-C. GRCh37 (hg19) VCF-style: chr1-158815512-T-C.
Other names: short protein forms F236L.
Identifiers: ClinVar variation 3295457 (VCV003295457.1).